The following is an entry in ClinVar:

ClinVar aggregate classification (germline): Uncertain significance (1 of 4 stars; one submission).

Conditions:
Hereditary cancer-predisposing syndrome. Also called: Neoplastic Syndromes, Hereditary; Tumor predisposition; Hereditary Cancer Syndrome; Hereditary neoplastic syndrome. Identifiers: Orphanet 140162, MedGen C0027672, MeSH D009386, MONDO:0015356.

Submission:

Ambry Genetics
Classification: Uncertain significance for Hereditary cancer-predisposing syndrome. Last evaluated: 2020-11-12. Review status: criteria provided, single submitter. Criteria: Ambry Variant Classification Scheme 2023. Collection method: clinical testing. Allele origin: germline.
Comment: The p.A634V variant (also known as c.1901C>T), located in coding exon 12 of the NBN gene, results from a C to T substitution at nucleotide position 1901. The alanine at codon 634 is replaced by valine, an amino acid with similar properties. This amino acid position is poorly conserved in available vertebrate species. In addition, this alteration is predicted to be tolerated by in silico analysis. Since supporting evidence is limited at this time, the clinical significance of this alteration remains unclear.

NM_002485.5(NBN):c.1901C>T (p.Ala634Val)

Genes: NBN (nibrin; minus strand), LOC126860438 (MED14-independent group 3 enhancer GRCh37_chr8:90959982-90961181; plus strand). Cytogenetic location: 8q21.3.
Variant type: single nucleotide variant.
Coding change: c.1901C>T on transcript NM_002485.5 (MANE Select); coding-DNA position 1901, C replaced by T.
Protein change: p.Ala634Val; replaces alanine 634 with valine.
Molecular consequence: missense variant.
Genome position (GRCh38, 1-based): chr8:89,947,837, G>A on the plus strand (C>T on the coding strand, the complement: NBN is on the minus strand). VCF-style: chr8-89947837-G-A. GRCh37 (hg19) VCF-style: chr8-90960065-G-A.
Other names: c.1655C>T, p.Ala552Val (NM_001024688.3); short protein forms A552V, A634V.
Identifiers: ClinVar variation 1782311 (VCV001782311.2), dbSNP rs2488209271, ClinGen allele CA371677207.